The following is an entry in ClinVar:

ClinVar aggregate classification (germline): Uncertain significance (1 of 4 stars; one submission).

Submission:

Labcorp Genetics (formerly Invitae), Labcorp
Classification: Uncertain significance. Last evaluated: 2024-04-03. Review status: criteria provided, single submitter. Criteria: Invitae Variant Classification Sherloc (09022015). Collection method: clinical testing. Allele origin: germline.
Comment: This sequence change creates a premature translational stop signal (p.Ser213Glnfs*9) in the ANKRD26 gene. It is expected to result in an absent or disrupted protein product. However, the current clinical and genetic evidence is not sufficient to establish whether loss-of-function variants in ANKRD26 cause disease. This variant is not present in population databases (gnomAD no frequency). This variant has not been reported in the literature in individuals affected with ANKRD26-related conditions. In summary, the available evidence is currently insufficient to determine the role of this variant in disease. Therefore, it has been classified as a Variant of Uncertain Significance.

NM_014915.3(ANKRD26):c.636_637del (p.Ser213fs)

Gene: ANKRD26 (ankyrin repeat domain 26; minus strand). Cytogenetic location: 10p12.1.
Variant type: Deletion.
Coding change: c.636_637del on transcript NM_014915.3 (MANE Select); coding-DNA positions 636 to 637, 2 bases deleted (AA; older notation c.636_637delAA).
Protein change: p.Ser213fs; shifts the reading frame from serine 213.
Molecular consequence: frameshift variant.
Genome position (GRCh38, 1-based): chr10:27,092,407-27,092,408, TT deleted on the plus strand (AA on the coding strand, the reverse complement: ANKRD26 is on the minus strand); deleting any 2 consecutive bases within chr10:27,092,407-27,092,409 gives the same sequence; the c. name uses the placement nearest the transcript's 3' end. VCF-style (leftmost placement, unchanged base first): chr10-27092406-CTT-C. GRCh37 (hg19) VCF-style: chr10-27381335-CTT-C.
Other names: c.636_637del, p.Ser213fs (NM_001256053.2); short protein forms S213fs.
Identifiers: ClinVar variation 3621180 (VCV003621180.2).